The following is an entry in ClinVar:

NM_001162499.2(CAND2):c.643G>A (p.Ala215Thr)

Genes: CAND2 (cullin associated and neddylation dissociated 2 (putative); plus strand), LOC129936186 (ATAC-STARR-seq lymphoblastoid silent region 14070; plus strand). Cytogenetic location: 3p25.2.
Variant type: single nucleotide variant.
Coding change: c.643G>A on transcript NM_001162499.2 (MANE Select); coding-DNA position 643, G replaced by A.
Protein change: p.Ala215Thr; replaces alanine 215 with threonine.
Molecular consequence: missense variant.
Genome position (GRCh38, 1-based): chr3:12,810,210, G>A. VCF-style: chr3-12810210-G-A. GRCh37 (hg19) VCF-style: chr3-12851709-G-A.
Other names: c.364G>A, p.Ala122Thr (NM_012298.3); short protein forms A122T, A215T.
Identifiers: ClinVar variation 2653546 (VCV002653546.24), dbSNP rs140295185, ClinGen allele CA2260434.
Genomic context (GRCh38, chr3:12,810,210, plus strand): 5'-GCGGTCGGAGCGCTTGGCCACCTGGCGGCCGCCTGCAGCACCGACCTCTTCGTCGAGCTC[G>A]CTGACCACCTACTGGACCGGCTGCCCGGCCCGCGGGTGCCCACCAGCCCGACTGCCATCC-3'
Protein context (NP_001155971.1, residues 205-225): ACSTDLFVEL[Ala215Thr]DHLLDRLPGP

ClinVar aggregate classification (germline): Likely benign (1 of 4 stars; one submission).

Allele frequency attached by ClinVar (database versions not stated): 1000 Genomes Project 0.00220; 1000 Genomes Project 30x 0.00250; TOPMed 0.00302; ESP Exome Variant Server 0.00309; gnomAD 0.00481; ExAC 0.00874.
gnomAD v4.1: 7,880 of 1,542,864 alleles (0.51%); highest among the groups gnomAD compares: Non-Finnish European, 0.55%; 40 homozygotes.

Submission:

CeGaT Center for Human Genetics Tuebingen
Classification: Likely benign. Last evaluated: 2022-10-01. Review status: criteria provided, single submitter. Criteria: CeGaT Center For Human Genetics Tuebingen Variant Classification Criteria Version 2. Collection method: clinical testing. Allele origin: germline. Affected: yes. Observed: 1 variant allele.
Comment: CAND2: PP2, BS2